The following is an entry in ClinVar:

ClinVar aggregate classification (germline): Conflicting classifications of pathogenicity. Review status: criteria provided, conflicting classifications (1 of 4 stars). 5 submissions from 5 submitters: Pathogenic (2); Likely pathogenic (1); Uncertain significance (1). 1 of the submissions does not count toward it. Last evaluated 2026-01-12.

Conditions:
KATNIP & KIAA0556-related disorders.

Allele frequency attached by ClinVar (database versions not stated): gnomAD exomes 0.00028 and 0.00024; gnomAD 0.00030 and 0.00032; ESP Exome Variant Server 0.00015; ExAC 0.00022; TOPMed 0.00023.
gnomAD v4.1: 461 of 1,613,924 alleles (0.029%); highest among the groups gnomAD compares: Admixed American, 0.04%; no homozygotes.

Submissions (5):

Labcorp Genetics (formerly Invitae), Labcorp
Classification: Pathogenic. Last evaluated: 2026-01-12. Review status: criteria provided, single submitter. Criteria: Invitae Variant Classification Sherloc (09022015). Collection method: clinical testing. Allele origin: germline.
Comment: This sequence change creates a premature translational stop signal (p.Trp577*) in the KIAA0556 gene. It is expected to result in an absent or disrupted protein product. Loss-of-function variants in KIAA0556 are known to be pathogenic (PMID: 26714646, 27245168). This variant is present in population databases (rs200353633, gnomAD 0.04%). This variant has not been reported in the literature in individuals affected with KIAA0556-related conditions. ClinVar contains an entry for this variant (Variation ID: 941890). For these reasons, this variant has been classified as Pathogenic.

Blueprint Genetics
Classification: Likely pathogenic for KATNIP & KIAA0556-related disorders. Last evaluated: 2024-11-26. Review status: criteria provided, single submitter. Criteria: ACMG Guidelines, 2015. Collection method: clinical testing. Allele origin: germline. Affected: yes. Observed: 5 variant alleles.

GeneDx
Classification: Uncertain significance. Last evaluated: 2024-03-07. Review status: criteria provided, single submitter. Criteria: GeneDx Variant Classification Process June 2021. Collection method: clinical testing. Allele origin: germline. Affected: yes.
Comment: Reported previously (described as 16:27733003 G>A) as a paternally inherited heterozygous variant in an individual with intellectual disability and autistic features, who also harbors de novo variants in other genes (PMID: 25356899); Nonsense variant predicted to result in protein truncation or nonsense mediated decay in a gene for which loss of function is a known mechanism of disease; This variant is associated with the following publications: (PMID: 28719003, 26740555, 31345219, 27245168, 26714646, 25356899)

Ambry Genetics
Classification: Pathogenic. Last evaluated: 2022-01-05. Review status: criteria provided, single submitter. Criteria: Ambry Variant Classification Scheme 2023. Collection method: clinical testing. Allele origin: germline.
Comment: The c.1730G>A (p.W577*) alteration, located in exon 14 (coding exon 14) of the KIAA0556 gene, consists of a G to A substitution at nucleotide position 1730. This changes the amino acid from a tryptophan (W) to a stop codon at amino acid position 577. This alteration is expected to result in loss of function by premature protein truncation or nonsense-mediated mRNA decay. Based on the available evidence, this alteration is classified as pathogenic.

Genetic Services Laboratory, University of Chicago
Classification: Likely pathogenic. Last evaluated: 2022-11-03. Review status: no assertion criteria provided. Collection method: clinical testing. Allele origin: germline. Affected: yes. Not counted in ClinVar's aggregate classification.
Comment: DNA sequence analysis of the KIAA0556 gene (also referred to as KATNIP) demonstrated a sequence change, c.1730G>A, which results in the creation of a premature stop codon at amino acid position 577, p.Trp577*. This sequence change is predicted to result in an abnormal transcript, which may be degraded, or may lead to the production of a truncated KIAA0556 protein with potentially abnormal function. This sequence change has been described in the gnomAD database with a frequency of 0.037228% in the non-Finnish European subpopulation (dbSNP rs200353633). Based on these evidences, this sequence change is classified as likely pathogenic, however functional studies have not been performed to prove this conclusively.

Literature cited by the submitters: PubMed 26714646 (cited by Labcorp Genetics (formerly Invitae), Labcorp); PubMed 27245168 (cited by Labcorp Genetics (formerly Invitae), Labcorp).

NM_015202.5(KATNIP):c.1730G>A (p.Trp577Ter)

Gene: KATNIP (katanin interacting protein; plus strand). Cytogenetic location: 16p12.1.
Variant type: single nucleotide variant.
Coding change: c.1730G>A on transcript NM_015202.5 (MANE Select); coding-DNA position 1730, G replaced by A.
Protein change: p.Trp577Ter; replaces tryptophan 577 with a stop codon.
Molecular consequence: nonsense.
Genome position (GRCh38, 1-based): chr16:27,721,682, G>A. VCF-style: chr16-27721682-G-A. GRCh37 (hg19) VCF-style: chr16-27733003-G-A.
Other names: c.1730G>A (NM_015202.3); short protein forms W577*.
Identifiers: ClinVar variation 941890 (VCV000941890.12), dbSNP rs200353633, ClinGen allele CA7977791.